The following is an entry in ClinVar:

ClinVar aggregate classification (germline): Uncertain significance. Review status: criteria provided, multiple submitters, no conflicts (2 of 4 stars). 2 submissions from 2 submitters: Uncertain significance (2). Last evaluated 2025-11-05.

Conditions:
Inborn genetic diseases. Identifiers: MedGen C0950123, MeSH D030342.

Allele frequency attached by ClinVar (database versions not stated): gnomAD 0.00001; gnomAD exomes 0.00002; ExAC 0.00003; TOPMed 0.00004.
gnomAD v4.1: 28 of 1,614,012 alleles (0.0017%); highest among the groups gnomAD compares: African/African-American, 0.004%; no homozygotes.

Submissions (2):

Ambry Genetics
Classification: Uncertain significance for Inborn genetic diseases. Last evaluated: 2025-11-05. Review status: criteria provided, single submitter. Criteria: Ambry Variant Classification Scheme 2023. Collection method: clinical testing. Allele origin: germline.

Labcorp Genetics (formerly Invitae), Labcorp
Classification: Uncertain significance. Last evaluated: 2022-07-05. Review status: criteria provided, single submitter. Criteria: Invitae Variant Classification Sherloc (09022015). Collection method: clinical testing. Allele origin: germline.
Comment: This sequence change replaces arginine, which is basic and polar, with cysteine, which is neutral and slightly polar, at codon 554 of the TTLL5 protein (p.Arg554Cys). This variant is present in population databases (rs768721194, gnomAD 0.006%). This variant has not been reported in the literature in individuals affected with TTLL5-related conditions. ClinVar contains an entry for this variant (Variation ID: 1398556). Algorithms developed to predict the effect of missense changes on protein structure and function are either unavailable or do not agree on the potential impact of this missense change (SIFT: "Tolerated"; PolyPhen-2: "Possibly Damaging"; Align-GVGD: "Class C15"). In summary, the available evidence is currently insufficient to determine the role of this variant in disease. Therefore, it has been classified as a Variant of Uncertain Significance.

NM_015072.5(TTLL5):c.1660C>T (p.Arg554Cys)

Gene: TTLL5 (tubulin tyrosine ligase like 5; plus strand). Cytogenetic location: 14q24.3.
Variant type: single nucleotide variant.
Coding change: c.1660C>T on transcript NM_015072.5 (MANE Select); coding-DNA position 1660, C replaced by T.
Protein change: p.Arg554Cys; replaces arginine 554 with cysteine.
Molecular consequence: missense variant.
Genome position (GRCh38, 1-based): chr14:75,764,724, C>T. VCF-style: chr14-75764724-C-T. GRCh37 (hg19) VCF-style: chr14-76231067-C-T.
Other names: c.1660C>T (NM_015072.4); short protein forms R554C.
Identifiers: ClinVar variation 1398556 (VCV001398556.4), dbSNP rs768721194, ClinGen allele CA7279480.